The following is an entry in ClinVar:

ClinVar aggregate classification (germline): Uncertain significance (1 of 4 stars; one submission).

Conditions:
TTN-related disorder. Also called: TTN-related disorders; TTN-related condition; TTN-related disease.

gnomAD v4.1: 14 of 1,608,268 alleles (0.00087%); highest among the groups gnomAD compares: Admixed American, 0.0017%; no homozygotes.

Submission:

PreventionGenetics, part of Exact Sciences
Classification: Uncertain significance for TTN-related condition. Last evaluated: 2025-05-08. Review status: criteria provided, single submitter. Criteria: ACMG Guidelines, 2015. Collection method: clinical testing. Allele origin: germline.
Comment: The TTN c.43759T>C variant is predicted to result in the amino acid substitution p.Tyr14587His. To our knowledge, this variant has not been reported in the literature. This variant is reported in 0.0042% of alleles in individuals of African descent in gnomAD. At this time, the clinical significance of this variant is uncertain due to the absence of conclusive functional and genetic evidence.

NM_001267550.2(TTN):c.43759T>C (p.Tyr14587His)

Gene: TTN (titin; minus strand). Cytogenetic location: 2q31.2.
Variant type: single nucleotide variant.
Coding change: c.43759T>C on transcript NM_001267550.2 (MANE Select); coding-DNA position 43759, T replaced by C.
Protein change: p.Tyr14587His; replaces tyrosine 14587 with histidine.
Molecular consequence: missense variant.
Genome position (GRCh38, 1-based): chr2:178,631,289, A>G on the plus strand (T>C on the coding strand, the complement: TTN is on the minus strand). VCF-style: chr2-178631289-A-G. GRCh37 (hg19) VCF-style: chr2-179496016-A-G.
Other names: c.38836T>C, p.Tyr12946His (NM_001256850.1); c.16564T>C, p.Tyr5522His (NM_003319.4); c.36055T>C, p.Tyr12019His (NM_133378.4); c.16939T>C, p.Tyr5647His (NM_133432.3); c.17140T>C, p.Tyr5714His (NM_133437.4); short protein forms Y5714H, Y12946H, Y14587H, Y12019H, Y5647H, Y5522H.
Identifiers: ClinVar variation 4982146 (VCV004982146.1).